The following is an entry in ClinVar:

NM_015338.6(ASXL1):c.4118T>C (p.Phe1373Ser)

Gene: ASXL1 (ASXL transcriptional regulator 1; plus strand). Cytogenetic location: 20q11.21.
Variant type: single nucleotide variant.
Coding change: c.4118T>C on transcript NM_015338.6 (MANE Select); coding-DNA position 4118, T replaced by C.
Protein change: p.Phe1373Ser; replaces phenylalanine 1373 with serine.
Molecular consequence: missense variant.
Genome position (GRCh38, 1-based): chr20:32,436,830, T>C. VCF-style: chr20-32436830-T-C. GRCh37 (hg19) VCF-style: chr20-31024633-T-C.
Other names: c.3935T>C, p.Phe1312Ser (NM_001363734.1); short protein forms F1312S, F1373S.
Identifiers: ClinVar variation 2087781 (VCV002087781.5), dbSNP rs777366376, ClinGen allele CA9808968.

ClinVar aggregate classification (germline): Uncertain significance. Review status: criteria provided, multiple submitters, no conflicts (2 of 4 stars). 2 submissions from 2 submitters: Uncertain significance (2). Last evaluated 2026-05-14.

Conditions:
Inborn genetic diseases. Identifiers: MedGen C0950123, MeSH D030342.

Allele frequency attached by ClinVar (database versions not stated): gnomAD exomes below 0.00001; ExAC 0.00001.
gnomAD v4.1: 2 of 1,614,166 alleles (0.00012%); highest among the groups gnomAD compares: African/African-American, 0.0013%; no homozygotes.

Submissions (2):

Ambry Genetics
Classification: Uncertain significance for Inborn genetic diseases. Last evaluated: 2026-05-14. Review status: criteria provided, single submitter. Criteria: Ambry Variant Classification Scheme 2023. Collection method: clinical testing. Allele origin: germline.
Comment: The p.F1373S variant (also known as c.4118T>C), located in coding exon 13 of the ASXL1 gene, results from a T to C substitution at nucleotide position 4118. The phenylalanine at codon 1373 is replaced by serine, an amino acid with highly dissimilar properties. This amino acid position is conserved. In addition, this alteration is predicted to be tolerated by in silico analysis. Based on the available evidence, the clinical significance of this variant remains unclear.

Labcorp Genetics (formerly Invitae), Labcorp
Classification: Uncertain significance. Last evaluated: 2022-01-18. Review status: criteria provided, single submitter. Criteria: Invitae Variant Classification Sherloc (09022015). Collection method: clinical testing. Allele origin: germline.
Comment: In summary, the available evidence is currently insufficient to determine the role of this variant in disease. Therefore, it has been classified as a Variant of Uncertain Significance. Algorithms developed to predict the effect of missense changes on protein structure and function output the following: SIFT: "Tolerated"; PolyPhen-2: "Benign"; Align-GVGD: "Class C0". The serine amino acid residue is found in multiple mammalian species, which suggests that this missense change does not adversely affect protein function. This variant has not been reported in the literature in individuals affected with ASXL1-related conditions. This variant is not present in population databases (gnomAD no frequency). This sequence change replaces phenylalanine, which is neutral and non-polar, with serine, which is neutral and polar, at codon 1373 of the ASXL1 protein (p.Phe1373Ser).